The following is an entry in ClinVar:

NM_000443.4(ABCB4):c.2140G>C (p.Gly714Arg)

Gene: ABCB4 (ATP binding cassette subfamily B member 4; minus strand). Cytogenetic location: 7q21.12.
Variant type: single nucleotide variant.
Coding change: c.2140G>C on transcript NM_000443.4 (MANE Select); coding-DNA position 2140, G replaced by C.
Protein change: p.Gly714Arg; replaces glycine 714 with arginine.
Molecular consequence: missense variant.
Genome position (GRCh38, 1-based): chr7:87,423,977, C>G on the plus strand (G>C on the coding strand, the complement: ABCB4 is on the minus strand). VCF-style: chr7-87423977-C-G. GRCh37 (hg19) VCF-style: chr7-87053293-C-G.
Other names: p.Gly714Arg; c.2140G>C, p.Gly714Arg (NM_018849.3, NM_018850.3); short protein forms G714R.
Identifiers: ClinVar variation 3379773 (VCV003379773.1).

ClinVar aggregate classification (germline): Uncertain significance (1 of 4 stars; one submission).

gnomAD v4.1: 3 of 1,614,036 alleles (0.00019%); highest among the groups gnomAD compares: Non-Finnish European, 0.00025%; no homozygotes.

Submission:

Mayo Clinic Laboratories, Mayo Clinic
Classification: Uncertain significance. Last evaluated: 2023-10-05. Review status: criteria provided, single submitter. Criteria: ACMG Guidelines, 2015. Collection method: clinical testing. Allele origin: germline. Observed: 1 variant allele.
Comment: PP3, PM2_moderate